The following is an entry in ClinVar:

NM_001303.4(COX10):c.1291C>T (p.Arg431Trp)

Gene: COX10 (cytochrome c oxidase assembly factor heme A:farnesyltransferase COX10; plus strand). Cytogenetic location: 17p12.
Variant type: single nucleotide variant.
Coding change: c.1291C>T on transcript NM_001303.4 (MANE Select); coding-DNA position 1291, C replaced by T.
Protein change: p.Arg431Trp; replaces arginine 431 with tryptophan.
Molecular consequence: missense variant.
Genome position (GRCh38, 1-based): chr17:14,207,172, C>T. VCF-style: chr17-14207172-C-T. GRCh37 (hg19) VCF-style: chr17-14110489-C-T.
Other names: p.Arg431Trp; short protein forms R431W.
Identifiers: ClinVar variation 445971 (VCV000445971.67), dbSNP rs113058506, ClinGen allele CA8402598.

ClinVar aggregate classification (germline): Conflicting classifications of pathogenicity. Review status: criteria provided, conflicting classifications (1 of 4 stars). 10 submissions from 9 submitters: Uncertain significance (3); Benign (2); Likely benign (4). 1 of the submissions does not count toward it. Last evaluated 2026-06-01.

Conditions:
COX10-related disorder. Also called: COX10-related condition.
Mitochondrial complex IV deficiency, nuclear type 1 (MC4DN1). Also called: Mitochondrial complex IV deficiency; Complex 4 mitochondrial respiratory chain deficiency; Deficiency of mitochondrial respiratory chain complex4; Complex IV deficiency; COX DEFICIENCY. Identifiers: MedGen C5435656, MONDO:0700250, OMIM 220110. Disease mechanism: loss of function.
Leigh syndrome (NULS). Also called: Leigh's syndrome; LEIGH SYNDROME, NUCLEAR; Leigh Disease; Subacute necrotizing encephalopathy; Necrotizing encephalopathy infantile subacute of Leigh; Leigh's necrotizing encephalopathy. Identifiers: Orphanet 506, MedGen C2931891, MONDO:0009723, OMIM 256000.

Allele frequency attached by ClinVar (database versions not stated): gnomAD 0.00212 and 0.00213; TOPMed 0.00216; ESP Exome Variant Server 0.00293; 1000 Genomes Project 0.00080; 1000 Genomes Project 30x 0.00141.
gnomAD v4.1: 5,817 of 1,608,756 alleles (0.36%); highest among the groups gnomAD compares: Non-Finnish European, 0.45%; 15 homozygotes.

Submissions (11):

CeGaT Center for Human Genetics Tuebingen
Classification: Likely benign. Last evaluated: 2026-06-01. Review status: criteria provided, single submitter. Criteria: CeGaT Center For Human Genetics Tuebingen Variant Classification Criteria Version 2. Collection method: clinical testing. Allele origin: germline. Affected: yes. Observed: 10 variant alleles.
Comment: COX10: BP4, BS2

Labcorp Genetics (formerly Invitae), Labcorp
Classification: Likely benign. Last evaluated: 2026-01-14. Review status: criteria provided, single submitter. Criteria: Invitae Variant Classification Sherloc (09022015). Collection method: clinical testing. Allele origin: germline.

Blueprint Genetics
Classification: Likely benign. Last evaluated: 2024-11-26. Review status: criteria provided, single submitter. Criteria: ACMG Guidelines, 2015. Collection method: clinical testing. Allele origin: germline.

Mayo Clinic Laboratories, Mayo Clinic
Classification: Benign. Last evaluated: 2023-10-16. Review status: criteria provided, single submitter. Criteria: ACMG Guidelines, 2015. Collection method: clinical testing. Allele origin: germline. Observed: 20 variant alleles.

GeneDx
Classification: Likely benign. Last evaluated: 2020-09-11. Review status: criteria provided, single submitter. Criteria: GeneDx Variant Classification Process June 2021. Collection method: clinical testing. Allele origin: germline. Affected: yes.
Comment: This variant is associated with the following publications: (PMID: 22592081)

ARUP Laboratories, Molecular Genetics and Genomics, ARUP Laboratories
Classification: Benign. Last evaluated: 2019-03-25. Review status: criteria provided, single submitter. Criteria: ARUP Molecular Germline Variant Investigation Process. Collection method: clinical testing. Allele origin: germline.

Illumina Laboratory Services, Illumina
Classification: Uncertain significance for Leigh syndrome. Last evaluated: 2018-01-13. Review status: criteria provided, single submitter. Criteria: ICSL Variant Classification Criteria 13 December 2019. Collection method: clinical testing. Allele origin: germline.

Illumina Laboratory Services, Illumina
Classification: Uncertain significance for Mitochondrial complex IV deficiency, nuclear type 1. Last evaluated: 2018-01-13. Review status: criteria provided, single submitter. Criteria: ICSL Variant Classification Criteria 13 December 2019. Collection method: clinical testing. Allele origin: germline.

Center for Pediatric Genomic Medicine, Children's Mercy Hospital and Clinics
Classification: Uncertain significance. Last evaluated: 2017-07-06. Review status: criteria provided, single submitter. Criteria: ACMG Guidelines, 2015. Collection method: clinical testing. Allele origin: germline.

PreventionGenetics, part of Exact Sciences
Classification: Likely benign for COX10-related condition. Last evaluated: 2020-04-28. Review status: no assertion criteria provided. Collection method: clinical testing. Allele origin: germline. Not counted in ClinVar's aggregate classification.
Comment: This variant is classified as likely benign based on ACMG/AMP sequence variant interpretation guidelines (Richards et al. 2015 PMID: 25741868, with internal and published modifications).

Johnston Lab, North Central College
No classification provided (evidence only). Review status: no classification provided. Collection method: in vitro. Allele origin: not applicable. Functional consequence: functionally_normal. Not counted in ClinVar's aggregate classification.
ClinVar note: "not provided" was previously submitted as the classification for the variant. However, the classification appeared to be based only on an observation of functional data so it was converted to no classification on 2025-07-30.

Literature cited by the submitters: PubMed 22592081 (cited by Mayo Clinic Laboratories, Mayo Clinic).